The following is an entry in ClinVar:

ClinVar aggregate classification (germline): Uncertain significance. Review status: criteria provided, multiple submitters, no conflicts (2 of 4 stars). 3 submissions from 3 submitters: Uncertain significance (3). Last evaluated 2025-08-05.

Conditions:
Hereditary cancer-predisposing syndrome. Also called: Tumor predisposition; Hereditary Cancer Syndrome; Hereditary neoplastic syndrome; Neoplastic Syndromes, Hereditary. Identifiers: Orphanet 140162, MedGen C0027672, MeSH D009386, MONDO:0015356.
Hereditary nonpolyposis colorectal neoplasms. Identifiers: MedGen C0009405, MeSH D003123.
Lynch syndrome. Identifiers: Orphanet 144, MedGen C4552100, MONDO:0005835. Disease mechanism: loss of function.

Allele frequency attached by ClinVar (database versions not stated): TOPMed below 0.00001.

Submissions (3):

Labcorp Genetics (formerly Invitae), Labcorp
Classification: Uncertain significance for Hereditary nonpolyposis colorectal neoplasms. Last evaluated: 2025-08-05. Review status: criteria provided, single submitter. Criteria: Invitae Variant Classification Sherloc (09022015). Collection method: clinical testing. Allele origin: germline.
Comment: This sequence change replaces glutamic acid, which is acidic and polar, with glycine, which is neutral and non-polar, at codon 109 of the PMS2 protein (p.Glu109Gly). This variant is not present in population databases (gnomAD no frequency). This variant has not been reported in the literature in individuals affected with PMS2-related conditions. ClinVar contains an entry for this variant (Variation ID: 1443561). Invitae Evidence Modeling of protein sequence and biophysical properties (such as structural, functional, and spatial information, amino acid conservation, physicochemical variation, residue mobility, and thermodynamic stability) indicates that this missense variant is expected to disrupt PMS2 protein function with a positive predictive value of 80%. Algorithms developed to predict the effect of sequence changes on RNA splicing suggest that this variant may disrupt the consensus splice site. In summary, the available evidence is currently insufficient to determine the role of this variant in disease. Therefore, it has been classified as a Variant of Uncertain Significance.

Ambry Genetics
Classification: Uncertain significance for Hereditary cancer-predisposing syndrome. Last evaluated: 2024-05-29. Review status: criteria provided, single submitter. Criteria: Ambry Variant Classification Scheme 2023. Collection method: clinical testing. Allele origin: germline.
Comment: The p.E109G variant (also known as c.326A>G), located in coding exon 4 of the PMS2 gene, results from an A to G substitution at nucleotide position 326. The glutamic acid at codon 109 is replaced by glycine, an amino acid with similar properties. This amino acid position is highly conserved in available vertebrate species. In addition, this alteration is predicted to be deleterious by in silico analysis. Since supporting evidence is limited at this time, the clinical significance of this alteration remains unclear.

All of Us Research Program, National Institutes of Health
Classification: Uncertain significance for Lynch syndrome. Last evaluated: 2024-02-22. Review status: criteria provided, single submitter. Criteria: ACMG Guidelines, 2015. Collection method: clinical testing. Allele origin: germline. Inheritance: Autosomal dominant inheritance. Observed: 1 variant allele, 1 heterozygote.
Comment: This missense variant replaces glutamic acid with glycine at codon 109 of the PMS2 protein. Computational prediction suggests that this variant may have deleterious impact on protein structure and function (internally defined REVEL score threshold >= 0.7, PMID: 27666373). To our knowledge, functional studies have not been reported for this variant. This variant has not been reported in individuals affected with PMS2-related disorders in the literature. This variant has not been identified in the general population by the Genome Aggregation Database (gnomAD). The available evidence is insufficient to determine the role of this variant in disease conclusively. Therefore, this variant is classified as a Variant of Uncertain Significance.

This study involves interpretation of variants in research participants for the purpose of population health screening. Participant phenotype was not available at the time of variant classification. Additional details can be found in publication PMID: 35346344, PMCID: PMC8962531

NM_000535.7(PMS2):c.326A>G (p.Glu109Gly)

Gene: PMS2 (PMS1 homolog 2, mismatch repair system component; minus strand). Cytogenetic location: 7p22.1.
Variant type: single nucleotide variant.
Coding change: c.326A>G on transcript NM_000535.7 (MANE Select); coding-DNA position 326, A replaced by G.
Protein change: p.Glu109Gly; replaces glutamic acid 109 with glycine.
Molecular consequence: missense variant. On other transcripts: 5 prime UTR variant (9), non-coding transcript variant (1), intron variant (2).
Genome position (GRCh38, 1-based): chr7:6,003,717, T>C on the plus strand (A>G on the coding strand, the complement: PMS2 is on the minus strand). VCF-style: chr7-6003717-T-C. GRCh37 (hg19) VCF-style: chr7-6043348-T-C.
Other names: c.-80A>G (NM_001322003.2, NM_001322004.2, NM_001322005.2 and 3 more transcripts); c.326A>G, p.Glu109Gly (NM_001322006.2, NM_001322014.2); c.-559A>G (NM_001322011.2, NM_001322012.2); c.-159A>G (NM_001322015.2); c.35+255A>G (NM_001322008.2, NM_001322007.2); short protein forms E109G.
Identifiers: ClinVar variation 1443561 (VCV001443561.12), dbSNP rs1785367984, ClinGen allele CA366744577.